The following is an entry in ClinVar:

NM_014915.3(ANKRD26):c.1564+6T>C

Gene: ANKRD26 (ankyrin repeat domain 26; minus strand). Cytogenetic location: 10p12.1.
Variant type: single nucleotide variant.
Coding change: c.1564+6T>C on transcript NM_014915.3 (MANE Select); 6 bases into the intron after coding-DNA position 1564, T replaced by C.
Molecular consequence: intron variant.
Genome position (GRCh38, 1-based): chr10:27,060,339, A>G on the plus strand (T>C on the coding strand, the complement: ANKRD26 is on the minus strand). VCF-style: chr10-27060339-A-G. GRCh37 (hg19) VCF-style: chr10-27349268-A-G.
Other names: p.?; c.1564+6T>C (NM_001256053.2).
Identifiers: ClinVar variation 260459 (VCV000260459.21), dbSNP rs149655759, ClinGen allele CA5448498.

ClinVar aggregate classification (germline): Benign/Likely benign. Review status: criteria provided, multiple submitters, no conflicts (2 of 4 stars). 11 submissions from 11 submitters: Benign (7); Likely benign (2). 2 of the submissions do not count toward it. Last evaluated 2026-02-04.

Conditions:
Thrombocytopenia 2 (THC2). Also called: ANKRD26-Related Thrombocytopenia. Identifiers: Orphanet 268322, MedGen C1861185, MONDO:0008555, OMIM 188000.

Allele frequency attached by ClinVar (database versions not stated): 1000 Genomes Project 30x 0.00937; 1000 Genomes Project 0.00958; TOPMed 0.01472; gnomAD 0.01701 and 0.01710; gnomAD exomes 0.01861 and 0.02204; ESP Exome Variant Server 0.01880; ExAC 0.01919.
gnomAD v4.1: 34,298 of 1,595,366 alleles (2.1%); highest among the groups gnomAD compares: Non-Finnish European, 2.4%; 428 homozygotes.

Submissions (28):

Labcorp Genetics (formerly Invitae), Labcorp
Classification: Benign. Last evaluated: 2026-02-04. Review status: criteria provided, single submitter. Criteria: Invitae Variant Classification Sherloc (09022015). Collection method: clinical testing. Allele origin: germline.

Mayo Clinic Laboratories, Mayo Clinic
Classification: Likely benign. Last evaluated: 2025-09-16. Review status: criteria provided, single submitter. Criteria: ACMG Guidelines, 2015. Collection method: clinical testing. Allele origin: germline. Observed: 29 variant alleles.
Comment: BS1, BP7

ARUP Laboratories, Molecular Genetics and Genomics, ARUP Laboratories
Classification: Benign for Thrombocytopenia 2. Last evaluated: 2025-07-18. Review status: criteria provided, single submitter. Criteria: ARUP Molecular Germline Variant Investigation Process 2024. Collection method: clinical testing. Allele origin: germline.

Blueprint Genetics
Classification: Likely benign. Last evaluated: 2024-11-27. Review status: criteria provided, single submitter. Criteria: ACMG Guidelines, 2015. Collection method: clinical testing. Allele origin: germline.

Genome-Nilou Lab
Classification: Benign for Thrombocytopenia 2. Last evaluated: 2021-12-05. Review status: criteria provided, single submitter. Criteria: ACMG Guidelines, 2015. Collection method: clinical testing. Allele origin: germline. Affected: no.

GeneDx
Classification: Benign. Last evaluated: 2019-11-18. Review status: criteria provided, single submitter. Criteria: GeneDx Variant Classification Process June 2021. Collection method: clinical testing. Allele origin: germline. Affected: yes.

Illumina Laboratory Services, Illumina
Classification: Benign for Thrombocytopenia 2. Last evaluated: 2018-01-12. Review status: criteria provided, single submitter. Criteria: ICSL Variant Classification Criteria 13 December 2019. Collection method: clinical testing. Allele origin: germline.
Comment: This variant was observed in the ICSL laboratory as part of a predisposition screen in an ostensibly healthy population. It had not been previously curated by ICSL or reported in the Human Gene Mutation Database (HGMD: prior to June 1st, 2018), and was therefore a candidate for classification through an automated scoring system. Utilizing variant allele frequency, disease prevalence and penetrance estimates, and inheritance mode, an automated score was calculated to assess if this variant is too frequent to cause the disease. Based on the score and internal cut-off values, a variant classified as benign is not then subjected to further curation. The score for this variant resulted in a classification of benign for this disease.

Breakthrough Genomics
Classification: Benign. Review status: criteria provided, single submitter. Criteria: ACMG Guidelines, 2015. Collection method: not provided. Allele origin: germline. Inheritance: Autosomal dominant inheritance. Affected: yes.

PreventionGenetics, part of Exact Sciences
Classification: Benign. Review status: criteria provided, single submitter. Criteria: ACMG Guidelines, 2015. Collection method: clinical testing. Allele origin: germline.

Dr. Peter K. Rogan Lab, Western University
No classification provided (evidence only). Condition: Acute myeloid leukemia. Review status: no classification provided. Collection method: in vitro. Allele origin: not applicable. Functional consequence: retained intron. Not counted in ClinVar's aggregate classification.

Dr. Peter K. Rogan Lab, Western University
No classification provided (evidence only). Condition: Acute myeloid leukemia. Review status: no classification provided. Collection method: in vitro. Allele origin: not applicable. Functional consequence: retained intron. Not counted in ClinVar's aggregate classification.

Dr. Peter K. Rogan Lab, Western University
No classification provided (evidence only). Condition: Uterine corpus endometrial carcinoma. Review status: no classification provided. Collection method: in vitro. Allele origin: not applicable. Functional consequence: retained intron. Not counted in ClinVar's aggregate classification.

Dr. Peter K. Rogan Lab, Western University
No classification provided (evidence only). Condition: Cervical cancer. Review status: no classification provided. Collection method: in vitro. Allele origin: not applicable. Functional consequence: retained intron. Not counted in ClinVar's aggregate classification.

Dr. Peter K. Rogan Lab, Western University
No classification provided (evidence only). Condition: Cervical cancer. Review status: no classification provided. Collection method: in vitro. Allele origin: not applicable. Functional consequence: retained intron. Not counted in ClinVar's aggregate classification.

Dr. Peter K. Rogan Lab, Western University
No classification provided (evidence only). Condition: Cervical cancer. Review status: no classification provided. Collection method: in vitro. Allele origin: not applicable. Functional consequence: retained intron. Not counted in ClinVar's aggregate classification.

Dr. Peter K. Rogan Lab, Western University
No classification provided (evidence only). Condition: Ovarian serous cystadenocarcinoma. Review status: no classification provided. Collection method: in vitro. Allele origin: not applicable. Functional consequence: retained intron. Not counted in ClinVar's aggregate classification.

Dr. Peter K. Rogan Lab, Western University
No classification provided (evidence only). Condition: Ovarian serous cystadenocarcinoma. Review status: no classification provided. Collection method: in vitro. Allele origin: not applicable. Functional consequence: retained intron. Not counted in ClinVar's aggregate classification.

Dr. Peter K. Rogan Lab, Western University
No classification provided (evidence only). Condition: Ovarian serous cystadenocarcinoma. Review status: no classification provided. Collection method: in vitro. Allele origin: not applicable. Functional consequence: retained intron. Not counted in ClinVar's aggregate classification.

Dr. Peter K. Rogan Lab, Western University
No classification provided (evidence only). Condition: Ovarian serous cystadenocarcinoma. Review status: no classification provided. Collection method: in vitro. Allele origin: not applicable. Functional consequence: retained intron. Not counted in ClinVar's aggregate classification.

Dr. Peter K. Rogan Lab, Western University
No classification provided (evidence only). Condition: Ovarian serous cystadenocarcinoma. Review status: no classification provided. Collection method: in vitro. Allele origin: not applicable. Functional consequence: retained intron. Not counted in ClinVar's aggregate classification.

Dr. Peter K. Rogan Lab, Western University
No classification provided (evidence only). Condition: Uterine carcinosarcoma. Review status: no classification provided. Collection method: in vitro. Allele origin: not applicable. Functional consequence: retained intron. Not counted in ClinVar's aggregate classification.

Dr. Peter K. Rogan Lab, Western University
No classification provided (evidence only). Condition: Uveal melanoma. Review status: no classification provided. Collection method: in vitro. Allele origin: not applicable. Functional consequence: retained intron. Not counted in ClinVar's aggregate classification.

Dr. Peter K. Rogan Lab, Western University
No classification provided (evidence only). Condition: Malignant tumor of esophagus. Review status: no classification provided. Collection method: in vitro. Allele origin: not applicable. Functional consequence: skipped exon. Not counted in ClinVar's aggregate classification.

Dr. Peter K. Rogan Lab, Western University
No classification provided (evidence only). Condition: Malignant tumor of esophagus. Review status: no classification provided. Collection method: in vitro. Allele origin: not applicable. Functional consequence: retained intron. Not counted in ClinVar's aggregate classification.

Dr. Peter K. Rogan Lab, Western University
No classification provided (evidence only). Condition: Malignant tumor of esophagus. Review status: no classification provided. Collection method: in vitro. Allele origin: not applicable. Functional consequence: retained intron. Not counted in ClinVar's aggregate classification.

Dr. Peter K. Rogan Lab, Western University
No classification provided (evidence only). Condition: Malignant tumor of esophagus. Review status: no classification provided. Collection method: in vitro. Allele origin: not applicable. Functional consequence: retained intron. Not counted in ClinVar's aggregate classification.

Genome Diagnostics Laboratory, University Medical Center Utrecht
Classification: Benign. Review status: no assertion criteria provided. Collection method: clinical testing. Allele origin: germline. Affected: yes. Study: VKGL Data-share Consensus. Not counted in ClinVar's aggregate classification.

Laboratory of Diagnostic Genome Analysis, Leiden University Medical Center (LUMC)
Classification: Benign. Review status: no assertion criteria provided. Collection method: clinical testing. Allele origin: germline. Affected: yes. Study: VKGL Data-share Consensus. Not counted in ClinVar's aggregate classification.